The following is an entry in ClinVar:

ClinVar aggregate classification (germline): Uncertain significance. Review status: criteria provided, multiple submitters, no conflicts (2 of 4 stars). 2 submissions from 2 submitters: Uncertain significance (2). Last evaluated 2022-04-13.

gnomAD v4.1: 5 of 1,613,778 alleles (0.00031%); highest among the groups gnomAD compares: Non-Finnish European, 0.00042%; no homozygotes.

Submissions (2):

GeneDx
Classification: Uncertain significance. Last evaluated: 2022-04-13. Review status: criteria provided, single submitter. Criteria: GeneDx Variant Classification Process June 2021. Collection method: clinical testing. Allele origin: germline. Affected: yes.
Comment: Not observed at significant frequency in large population cohorts (gnomAD); In silico analysis supports that this missense variant does not alter protein structure/function; Has not been previously published as pathogenic or benign to our knowledge

Labcorp Genetics (formerly Invitae), Labcorp
Classification: Uncertain significance. Last evaluated: 2022-02-08. Review status: criteria provided, single submitter. Criteria: Invitae Variant Classification Sherloc (09022015). Collection method: clinical testing. Allele origin: germline.
Comment: Algorithms developed to predict the effect of sequence changes on RNA splicing suggest that this variant may create or strengthen a splice site. In summary, the available evidence is currently insufficient to determine the role of this variant in disease. Therefore, it has been classified as a Variant of Uncertain Significance. Algorithms developed to predict the effect of missense changes on protein structure and function output the following: SIFT: "Tolerated"; PolyPhen-2: "Benign"; Align-GVGD: "Class C0". The glutamic acid amino acid residue is found in multiple mammalian species, which suggests that this missense change does not adversely affect protein function. This variant has not been reported in the literature in individuals affected with TAPT1-related conditions. This variant is present in population databases (no rsID available, gnomAD 0.002%). This sequence change replaces aspartic acid, which is acidic and polar, with glutamic acid, which is acidic and polar, at codon 533 of the TAPT1 protein (p.Asp533Glu).

NM_153365.3(TAPT1):c.1599C>G (p.Asp533Glu)

Gene: TAPT1 (transmembrane anterior posterior transformation 1; minus strand). Cytogenetic location: 4p15.32.
Variant type: single nucleotide variant.
Coding change: c.1599C>G on transcript NM_153365.3 (MANE Select); coding-DNA position 1599, C replaced by G.
Protein change: p.Asp533Glu; replaces aspartic acid 533 with glutamic acid.
Molecular consequence: missense variant.
Genome position (GRCh38, 1-based): chr4:16,163,413, G>C on the plus strand (C>G on the coding strand, the complement: TAPT1 is on the minus strand). VCF-style: chr4-16163413-G-C. GRCh37 (hg19) VCF-style: chr4-16165036-G-C.
Other names: short protein forms D533E.
Identifiers: ClinVar variation 1710654 (VCV001710654.6), dbSNP rs34007466, ClinGen allele CA356491281.
Genomic context (GRCh38, chr4:16,163,413, plus strand): 5'-CAAATCTTTCTTTGAGGATCTGTGTTTTAATTCAGAATTGTCCTGCGTTATGTCCTTCTC[G>C]TCACCATCTGGAGTTGTCAAAAACTGATCAGAATTGCTTGTCACAAGTAATGGTATGATA-3'
Protein context (NP_699196.2, residues 523-543): SDQFLTTPDG[Asp533Glu]EKDITQDNSE